The following is an entry in ClinVar:

ClinVar aggregate classification (germline): Uncertain significance (1 of 4 stars; one submission).

Conditions:
Catecholaminergic polymorphic ventricular tachycardia 1. Also called: VENTRICULAR TACHYCARDIA, CATECHOLAMINERGIC POLYMORPHIC, 1, WITH OR WITHOUT ATRIAL DYSFUNCTION AND/OR DILATED CARDIOMYOPATHY; RYR2-Related Catecholaminergic Polymorphic Ventricular Tachycardia; VENTRICULAR TACHYCARDIA, STRESS-INDUCED POLYMORPHIC 1. Identifiers: Orphanet 3286, MedGen C1631597, MONDO:0011484, OMIM 604772.

Submission:

Labcorp Genetics (formerly Invitae), Labcorp
Classification: Uncertain significance for Catecholaminergic polymorphic ventricular tachycardia 1. Last evaluated: 2025-09-09. Review status: criteria provided, single submitter. Criteria: Invitae Variant Classification Sherloc (09022015). Collection method: clinical testing. Allele origin: germline.
Comment: This sequence change replaces alanine, which is neutral and non-polar, with threonine, which is neutral and polar, at codon 690 of the RYR2 protein (p.Ala690Thr). This variant is not present in population databases (gnomAD no frequency). This variant has not been reported in the literature in individuals affected with RYR2-related conditions. ClinVar contains an entry for this variant (Variation ID: 1422857). Invitae Evidence Modeling of protein sequence and biophysical properties (such as structural, functional, and spatial information, amino acid conservation, physicochemical variation, residue mobility, and thermodynamic stability) indicates that this missense variant is not expected to disrupt RYR2 protein function with a negative predictive value of 95%. In summary, the available evidence is currently insufficient to determine the role of this variant in disease. Therefore, it has been classified as a Variant of Uncertain Significance.

NM_001035.3(RYR2):c.2068G>A (p.Ala690Thr)

Gene: RYR2 (ryanodine receptor 2; plus strand). Cytogenetic location: 1q43.
Variant type: single nucleotide variant.
Coding change: c.2068G>A on transcript NM_001035.3 (MANE Select); coding-DNA position 2068, G replaced by A.
Protein change: p.Ala690Thr; replaces alanine 690 with threonine.
Molecular consequence: missense variant.
Genome position (GRCh38, 1-based): chr1:237,496,617, G>A. VCF-style: chr1-237496617-G-A. GRCh37 (hg19) VCF-style: chr1-237659917-G-A.
Other names: short protein forms A690T.
Identifiers: ClinVar variation 1422857 (VCV001422857.7), dbSNP rs2150448340, ClinGen allele CA345391650.